The following is an entry in ClinVar:

NM_000441.2(SLC26A4):c.642C>A (p.Tyr214Ter)

Gene: SLC26A4 (solute carrier family 26 member 4; plus strand). Cytogenetic location: 7q22.3.
Variant type: single nucleotide variant.
Coding change: c.642C>A on transcript NM_000441.2 (MANE Select); coding-DNA position 642, C replaced by A.
Protein change: p.Tyr214Ter; replaces tyrosine 214 with a stop codon.
Molecular consequence: nonsense.
Genome position (GRCh38, 1-based): chr7:107,674,986, C>A. VCF-style: chr7-107674986-C-A. GRCh37 (hg19) VCF-style: chr7-107315431-C-A.
Other names: short protein forms Y214*.
Identifiers: ClinVar variation 3601779 (VCV003601779.1).

ClinVar aggregate classification (germline): Pathogenic (1 of 4 stars; one submission).

Conditions:
Autosomal recessive nonsyndromic hearing loss 4 (DFNB4). Also called: Deafness, autosomal recessive 4; FOXI1-Related Pendred Syndrome; KCNJ10-Related Pendred Syndrome; DEAFNESS, AUTOSOMAL RECESSIVE 4, WITH ENLARGED VESTIBULAR AQUEDUCT, DIGENIC; NEUROSENSORY NONSYNDROMIC RECESSIVE DEAFNESS 4; Nonsyndromic enlarged vestibular aqueduct (NSEVA). Identifiers: Orphanet 90636, MedGen C3538946, MONDO:0010933, OMIM 600791.

Submission:

Institute of Rare Diseases, West China Hospital, Sichuan University
Classification: Pathogenic for Autosomal recessive nonsyndromic hearing loss 4. Last evaluated: 2025-01-09. Review status: criteria provided, single submitter. Criteria: ClinGen HL ACMG Specifications v1. Collection method: research. Allele origin: germline. Affected: yes.
Comment: PVS1;PM3;PM2_Supporting